The following is an entry in ClinVar:

ClinVar aggregate classification (germline): Uncertain significance. Review status: criteria provided, multiple submitters, no conflicts (2 of 4 stars). 3 submissions from 3 submitters: Uncertain significance (3). Last evaluated 2023-10-05.

Conditions:
DNA ligase IV deficiency. Identifiers: Orphanet 99812, MedGen C1847827, MONDO:0011686, OMIM 606593.
Inborn genetic diseases. Identifiers: MedGen C0950123, MeSH D030342.

Allele frequency attached by ClinVar (database versions not stated): gnomAD 0.00001; ExAC 0.00002; gnomAD exomes 0.00002; TOPMed 0.00004; ESP Exome Variant Server 0.00008.
gnomAD v4.1: 29 of 1,613,942 alleles (0.0018%); highest among the groups gnomAD compares: East Asian, 0.0067%; no homozygotes.

Submissions (3):

Ambry Genetics
Classification: Uncertain significance for Inborn genetic diseases. Last evaluated: 2023-10-05. Review status: criteria provided, single submitter. Criteria: Ambry Variant Classification Scheme 2023. Collection method: clinical testing. Allele origin: germline.

Labcorp Genetics (formerly Invitae), Labcorp
Classification: Uncertain significance for DNA ligase IV deficiency. Last evaluated: 2022-02-19. Review status: criteria provided, single submitter. Criteria: Invitae Variant Classification Sherloc (09022015). Collection method: clinical testing. Allele origin: germline.
Comment: This sequence change replaces arginine, which is basic and polar, with glutamine, which is neutral and polar, at codon 628 of the LIG4 protein (p.Arg628Gln). This variant is present in population databases (rs369138956, gnomAD 0.01%). This variant has not been reported in the literature in individuals affected with LIG4-related conditions. ClinVar contains an entry for this variant (Variation ID: 845322). Algorithms developed to predict the effect of missense changes on protein structure and function are either unavailable or do not agree on the potential impact of this missense change (SIFT: "Tolerated"; PolyPhen-2: "Possibly Damaging"; Align-GVGD: "Class C0"). In summary, the available evidence is currently insufficient to determine the role of this variant in disease. Therefore, it has been classified as a Variant of Uncertain Significance.

Genetic Services Laboratory, University of Chicago
Classification: Uncertain significance. Last evaluated: 2020-11-09. Review status: criteria provided, single submitter. Criteria: ACMG Guidelines, 2015. Collection method: clinical testing. Allele origin: germline. Affected: no.
Comment: This sequence change does not appear to have been previously described in patients with LIG4-related disorders and has described in the gnomAD database in five individuals with an overall population frequency of 0.002% (dbSNP rs369138956). The p.Arg628Gln change affects a moderately conserved amino acid residue located in a domain of the LIG4 protein that is known to be functional. In-silico pathogenicity prediction tools (SIFT, PolyPhen2, Align GVGD, REVEL) provide contradictory results for the p.Arg628Gln substitution. Due to these contrasting evidences and the lack of functional studies, the clinical significance of the p.Arg628Gln change remains unknown at this time.

NM_206937.2(LIG4):c.1883G>A (p.Arg628Gln)

Gene: LIG4 (DNA ligase 4; minus strand). Cytogenetic location: 13q33.3.
Variant type: single nucleotide variant.
Coding change: c.1883G>A on transcript NM_206937.2 (MANE Select); coding-DNA position 1883, G replaced by A.
Protein change: p.Arg628Gln; replaces arginine 628 with glutamine.
Molecular consequence: missense variant.
Genome position (GRCh38, 1-based): chr13:108,209,386, C>T on the plus strand (G>A on the coding strand, the complement: LIG4 is on the minus strand). VCF-style: chr13-108209386-C-T. GRCh37 (hg19) VCF-style: chr13-108861734-C-T.
Other names: c.1883G>A, p.Arg628Gln (NM_001098268.2, NM_001352598.2, NM_001352599.2 and 6 more transcripts); c.1682G>A, p.Arg561Gln (NM_001330595.2); c.1919G>A, p.Arg640Gln (NM_001352604.2); short protein forms R640Q, R628Q, R561Q.
Identifiers: ClinVar variation 845322 (VCV000845322.11), dbSNP rs369138956, ClinGen allele CA7043599.